The following is an entry in ClinVar:

ClinVar aggregate classification (germline): Pathogenic/Likely pathogenic. Review status: criteria provided, multiple submitters, no conflicts (2 of 4 stars). 3 submissions from 3 submitters: Pathogenic (1); Likely pathogenic (2). Last evaluated 2024-03-11.

Conditions:
Bardet-Biedl syndrome 14 (BBS14). Identifiers: Orphanet 110, MedGen C2673874, MONDO:0014442, OMIM 615991.
Joubert syndrome. Also called: CEREBELLOPARENCHYMAL DISORDER IV; JOUBERT-BOLTSHAUSER SYNDROME; Familial aplasia of the vermis. Identifiers: Orphanet 475, MedGen C5979921, MONDO:0018772.
Nephronophthisis. Also called: Juvenile Nephronophthisis. Identifiers: Orphanet 655, MedGen C0687120, MONDO:0019005, HP:0000090.
Meckel-Gruber syndrome. Also called: DYSENCEPHALIA SPLANCHNOCYSTICA; GRUBER SYNDROME; Dysencephalia splachnocystica. Identifiers: Orphanet 564, MedGen C0265215, MONDO:0018921.
Leber congenital amaurosis (LCA). Also called: Leber's amaurosis. Identifiers: Orphanet 65, MedGen C0339527, MeSH D057130, MONDO:0018998.

Submissions (3):

Natera, Inc.
Classification: Likely pathogenic for Leber congenital amaurosis. Last evaluated: 2024-03-11. Review status: criteria provided, single submitter. Criteria: Natera Variant Classification Schema (03/2026). Collection method: clinical testing. Allele origin: germline.
Comment: The c.1039A>T variant in CEP290 is a nonsense variant predicted to introduce a stop codon at amino acid 347. This variant is expected to result in nonsense mediated decay, truncation, or a dysfunctional protein product. This variant is rare in the general population with a frequency below the threshold expected for the associated phenotype(s). Given the available evidence, this variant is classified as Likely Pathogenic.

Labcorp Genetics (formerly Invitae), Labcorp
Classification: Pathogenic for Joubert syndrome; Meckel-Gruber syndrome; Nephronophthisis. Last evaluated: 2023-11-01. Review status: criteria provided, single submitter. Criteria: Invitae Variant Classification Sherloc (09022015). Collection method: clinical testing. Allele origin: germline.
Comment: This sequence change creates a premature translational stop signal (p.Lys347*) in the CEP290 gene. It is expected to result in an absent or disrupted protein product. Loss-of-function variants in CEP290 are known to be pathogenic (PMID: 16909394, 17345604, 20690115). This variant is not present in population databases (gnomAD no frequency). This variant has not been reported in the literature in individuals affected with CEP290-related conditions. For these reasons, this variant has been classified as Pathogenic.

Baylor Genetics
Classification: Likely pathogenic for Bardet-Biedl syndrome 14. Last evaluated: 2023-10-29. Review status: criteria provided, single submitter. Criteria: ACMG Guidelines, 2015. Collection method: clinical testing. Allele origin: unknown.

Literature cited by the submitters: PubMed 16909394 (cited by Labcorp Genetics (formerly Invitae), Labcorp); PubMed 17345604 (cited by Labcorp Genetics (formerly Invitae), Labcorp); PubMed 20690115 (cited by Labcorp Genetics (formerly Invitae), Labcorp).

NM_025114.4(CEP290):c.1039A>T (p.Lys347Ter)

Gene: CEP290 (centrosomal protein 290; minus strand). Cytogenetic location: 12q21.32.
Variant type: single nucleotide variant.
Coding change: c.1039A>T on transcript NM_025114.4 (MANE Select); coding-DNA position 1039, A replaced by T.
Protein change: p.Lys347Ter; replaces lysine 347 with a stop codon.
Molecular consequence: nonsense.
Genome position (GRCh38, 1-based): chr12:88,126,342, T>A on the plus strand (A>T on the coding strand, the complement: CEP290 is on the minus strand). VCF-style: chr12-88126342-T-A. GRCh37 (hg19) VCF-style: chr12-88520119-T-A.
Other names: c.1039A>T (NM_025114.3); short protein forms K347*.
Identifiers: ClinVar variation 2680568 (VCV002680568.5), dbSNP rs1411950710, ClinGen allele CA385982705.
Genomic context (GRCh38, chr12:88,126,342, plus strand): 5'-CTGGTTGATAAACAAAATTCTGTTAAGATTTTACCTGCTGTAGAGCCATAACATTACTTT[T>A]ATCAGCATCAAGCTGAGCATTCTTAAGTTTCTCCCTTAGGTTATGTAACATTTGCTGATA-3'